The following is an entry in ClinVar:

ClinVar aggregate classification (germline): Pathogenic (1 of 4 stars; one submission).

Conditions:
Arrhythmogenic cardiomyopathy with wooly hair and keratoderma. Also called: PALMOPLANTAR KERATODERMA WITH LEFT VENTRICULAR CARDIOMYOPATHY AND WOOLLY HAIR; Carvajal syndrome; Dilated cardiomyopathy with woolly hair and keratoderma; Arrhythmogenic cardiomyopathy with woolly hair and keratoderma. Identifiers: Orphanet 65282, MedGen C1854063, MONDO:0011581, OMIM 605676.
Arrhythmogenic right ventricular dysplasia 8 (ARVD8). Also called: ARRHYTHMOGENIC RIGHT VENTRICULAR DYSPLASIA, FAMILIAL, 8; Arrhythmogenic Right Ventricular Dysplasia/Cardiomyopathy 8; ARRHYTHMOGENIC RIGHT VENTRICULAR CARDIOMYOPATHY 8. Identifiers: MedGen C1843896, MONDO:0011831, OMIM 607450.

Submission:

Labcorp Genetics (formerly Invitae), Labcorp
Classification: Pathogenic for Arrhythmogenic cardiomyopathy with wooly hair and keratoderma; Arrhythmogenic right ventricular dysplasia 8. Last evaluated: 2021-11-04. Review status: criteria provided, single submitter. Criteria: Invitae Variant Classification Sherloc (09022015). Collection method: clinical testing. Allele origin: germline.
Comment: For these reasons, this variant has been classified as Pathogenic. This variant has not been reported in the literature in individuals affected with DSP-related conditions. This variant is not present in population databases (gnomAD no frequency). This sequence change creates a premature translational stop signal (p.Leu338Serfs*36) in the DSP gene. It is expected to result in an absent or disrupted protein product. Loss-of-function variants in DSP are known to be pathogenic (PMID: 20716751, 24503780, 25227139).

Literature cited by the submitters: PubMed 20716751; PubMed 24503780; PubMed 25227139.

NM_004415.4(DSP):c.1009_1010dup (p.Leu338fs)

Gene: DSP (desmoplakin; plus strand). Cytogenetic location: 6p24.3.
Variant type: Duplication.
Coding change: c.1009_1010dup on transcript NM_004415.4 (MANE Select); coding-DNA positions 1009 to 1010, 2 bases duplicated (GT; older notation c.1009_1010dupGT).
Protein change: p.Leu338fs; shifts the reading frame from leucine 338.
Molecular consequence: frameshift variant.
Genome position (GRCh38, 1-based): chr6:7,566,446-7,566,447, GT duplicated; duplicating any 2 consecutive bases within chr6:7,566,445-7,566,447 gives the same sequence; the c. name uses the placement nearest the transcript's 3' end. VCF-style (leftmost placement, unchanged base first): chr6-7566444-T-TTG. GRCh37 (hg19) VCF-style: chr6-7566677-T-TTG.
Other names: c.1009_1010dup, p.Leu338fs (NM_001008844.3, NM_001319034.2); short protein forms L338fs.
Identifiers: ClinVar variation 1452776 (VCV001452776.6), dbSNP rs2113671123, ClinGen allele CA2573140931.